The following is an entry in ClinVar:

NM_006759.4(UGP2):c.135A>C (p.Ser45=)

Gene: UGP2 (UDP-glucose pyrophosphorylase 2; plus strand). Cytogenetic location: 2p15.
Variant type: single nucleotide variant.
Coding change: c.135A>C on transcript NM_006759.4 (MANE Select); coding-DNA position 135, A replaced by C.
Protein change: p.Ser45=; no amino-acid change (serine 45 retained).
Molecular consequence: synonymous variant. On other transcripts: 5 prime UTR variant (3), intron variant (1).
Genome position (GRCh38, 1-based): chr2:63,856,421, A>C. VCF-style: chr2-63856421-A-C. GRCh37 (hg19) VCF-style: chr2-64083555-A-C.
Other names: c.102A>C, p.Ser34= (NM_001001521.2, NM_001377524.1, NM_001377525.1); c.-395A>C (NM_001377526.1, NM_001377529.1); c.-314A>C (NM_001377528.1); c.-106+15189A>C (NM_001377527.1).
Identifiers: ClinVar variation 2651000 (VCV002651000.24), dbSNP rs1248498489, ClinGen allele CA426426170.

ClinVar aggregate classification (germline): Likely benign (1 of 4 stars; one submission).

Allele frequency attached by ClinVar (database versions not stated): TOPMed 0.00002.
gnomAD v4.1: 16 of 1,612,162 alleles (0.00099%); highest among the groups gnomAD compares: Middle Eastern, 0.016%; no homozygotes.

Submission:

CeGaT Center for Human Genetics Tuebingen
Classification: Likely benign. Last evaluated: 2023-03-01. Review status: criteria provided, single submitter. Criteria: CeGaT Center For Human Genetics Tuebingen Variant Classification Criteria Version 2. Collection method: clinical testing. Allele origin: germline. Affected: yes. Observed: 1 variant allele.
Comment: UGP2: BP4, BP7